The following is an entry in ClinVar:

NM_001366385.1(CARD14):c.2606A>G (p.Gln869Arg)

Genes: CARD14 (caspase recruitment domain family member 14; plus strand), SGSH (N-sulfoglucosamine sulfohydrolase; minus strand), LOC126862662 (MED14-independent group 3 enhancer GRCh37_chr17:78178385-78179584; plus strand). Cytogenetic location: 17q25.3.
Variant type: single nucleotide variant.
Coding change: c.2606A>G on transcript NM_001366385.1 (MANE Select); coding-DNA position 2606, A replaced by G.
Protein change: p.Gln869Arg; replaces glutamine 869 with arginine.
Molecular consequence: missense variant. On other transcripts: non-coding transcript variant (1).
Genome position (GRCh38, 1-based): chr17:80,205,567, A>G. VCF-style: chr17-80205567-A-G. GRCh37 (hg19) VCF-style: chr17-78179366-A-G.
Other names: c.2606A>G (NM_024110.3); c.2606A>G, p.Gln869Arg (NM_024110.4); short protein forms Q869R.
Identifiers: ClinVar variation 527866 (VCV000527866.9), dbSNP rs529691290, ClinGen allele CA8817388.

ClinVar aggregate classification (germline): Uncertain significance. Review status: criteria provided, multiple submitters, no conflicts (2 of 4 stars). 2 submissions from 2 submitters: Uncertain significance (2). Last evaluated 2025-11-24.

Conditions:
Inborn genetic diseases. Identifiers: MedGen C0950123, MeSH D030342.
Pityriasis rubra pilaris (PRP). Also called: Pityriasis rubra pilaris--familial type. Identifiers: Orphanet 2897, MedGen C0032027, MONDO:0100017, OMIM 173200, MONDO:0008251.
Psoriasis 2. Identifiers: MedGen C1864497, MONDO:0011269, OMIM 602723.

Allele frequency attached by ClinVar (database versions not stated): gnomAD exomes 0.00001 and 0.00002; TOPMed 0.00004; ExAC 0.00009; 1000 Genomes Project 30x 0.00016; 1000 Genomes Project 0.00020.
gnomAD v4.1: 10 of 1,581,770 alleles (0.00063%); highest among the groups gnomAD compares: African/African-American, 0.0081%; no homozygotes.

Submissions (2):

Labcorp Genetics (formerly Invitae), Labcorp
Classification: Uncertain significance for Pityriasis rubra pilaris; Psoriasis 2. Last evaluated: 2025-11-24. Review status: criteria provided, single submitter. Criteria: Invitae Variant Classification Sherloc (09022015). Collection method: clinical testing. Allele origin: germline.
Comment: This sequence change replaces glutamine, which is neutral and polar, with arginine, which is basic and polar, at codon 869 of the CARD14 protein (p.Gln869Arg). This variant is present in population databases (rs529691290, gnomAD 0.03%). This variant has not been reported in the literature in individuals affected with CARD14-related conditions. ClinVar contains an entry for this variant (Variation ID: 527866). Invitae Evidence Modeling of protein sequence and biophysical properties (such as structural, functional, and spatial information, amino acid conservation, physicochemical variation, residue mobility, and thermodynamic stability) indicates that this missense variant is not expected to disrupt CARD14 protein function with a negative predictive value of 95%. In summary, the available evidence is currently insufficient to determine the role of this variant in disease. Therefore, it has been classified as a Variant of Uncertain Significance.

Ambry Genetics
Classification: Uncertain significance for Inborn genetic diseases. Last evaluated: 2023-12-28. Review status: criteria provided, single submitter. Criteria: Ambry Variant Classification Scheme 2023. Collection method: clinical testing. Allele origin: germline.